The following is an entry in ClinVar:

NM_019109.5(ALG1):c.191C>T (p.Thr64Ile)

Genes: ALG1 (ALG1 chitobiosyldiphosphodolichol beta-mannosyltransferase; plus strand), LOC130058384 (ATAC-STARR-seq lymphoblastoid active region 10349; plus strand). Cytogenetic location: 16p13.3.
Variant type: single nucleotide variant.
Coding change: c.191C>T on transcript NM_019109.5 (MANE Select); coding-DNA position 191, C replaced by T.
Protein change: p.Thr64Ile; replaces threonine 64 with isoleucine.
Molecular consequence: missense variant.
Genome position (GRCh38, 1-based): chr16:5,072,040, C>T. VCF-style: chr16-5072040-C-T. GRCh37 (hg19) VCF-style: chr16-5122041-C-T.
Other names: short protein forms T64I.
Identifiers: ClinVar variation 1345840 (VCV001345840.5), dbSNP rs145474820, ClinGen allele CA394678807.
Genomic context (GRCh38, chr16:5,072,040, plus strand): 5'-GCCGCAGCCCCCGTATGCAGTACCACGCGCTGTCGTTGGCCATGCACGGCTTCTCGGTGA[C>T]CCTCCTGGGGTTCTGCAGTGAGTGGCCAAGGGTCTGGGAGGGACGATGCTCTCTCAGCCG-3'
Protein context (NP_061982.3, residues 54-74): LSLAMHGFSV[Thr64Ile]LLGFCNSKPH

ClinVar aggregate classification (germline): Uncertain significance (1 of 4 stars; one submission).

Conditions:
ALG1-congenital disorder of glycosylation. Also called: CONGENITAL DISORDER OF GLYCOSYLATION, TYPE Ik; ALG1-CDG; CDG Ik. Identifiers: Orphanet 79327, MedGen C2931005, MONDO:0012052, OMIM 608540.

gnomAD v4.1: 2 of 1,587,768 alleles (0.00013%); highest among the groups gnomAD compares: Non-Finnish European, 0.000086%; no homozygotes.

Submission:

Labcorp Genetics (formerly Invitae), Labcorp
Classification: Uncertain significance for ALG1-congenital disorder of glycosylation. Last evaluated: 2021-09-01. Review status: criteria provided, single submitter. Criteria: Invitae Variant Classification Sherloc (09022015). Collection method: clinical testing. Allele origin: germline.
Comment: This sequence change replaces threonine with isoleucine at codon 64 of the ALG1 protein (p.Thr64Ile). The threonine residue is moderately conserved and there is a moderate physicochemical difference between threonine and isoleucine. This variant is not present in population databases (ExAC no frequency). This variant has not been reported in the literature in individuals affected with ALG1-related conditions. Advanced modeling of protein sequence and biophysical properties (such as structural, functional, and spatial information, amino acid conservation, physicochemical variation, residue mobility, and thermodynamic stability) performed at Invitae indicates that this missense variant is expected to disrupt ALG1 protein function. In summary, the available evidence is currently insufficient to determine the role of this variant in disease. Therefore, it has been classified as a Variant of Uncertain Significance.